The following is an entry in ClinVar:

ClinVar aggregate classification (germline): Likely pathogenic (1 of 4 stars; one submission).

Conditions:
Cerebroretinal microangiopathy with calcifications and cysts 1 (CRMCC1). Identifiers: Orphanet 313838, MedGen C4552029, MONDO:0024564, OMIM 612199.

Submission:

Women's Health and Genetics/Laboratory Corporation of America, LabCorp
Classification: Likely pathogenic for Cerebroretinal microangiopathy with calcifications and cysts 1. Last evaluated: 2023-02-28. Review status: criteria provided, single submitter. Criteria: LabCorp Variant Classification Summary - May 2015. Collection method: clinical testing. Allele origin: germline.
Comment: Variant summary: CTC1 c.798_802delTGCCC (p.Gln268GlyfsX61) results in a premature termination codon, predicted to cause a truncation of the encoded protein or absence of the protein due to nonsense mediated decay, which are commonly known mechanisms for disease. Truncations downstream of this position have been classified as pathogenic in ClinVar database. The variant was absent in 240964 control chromosomes (gnomAD). To our knowledge, no occurrence of c.798_802delTGCCC in individuals affected with Cerebroretinal Microangiopathy With Calcifications And Cysts 1 and no experimental evidence demonstrating its impact on protein function have been reported. No clinical diagnostic laboratories have submitted clinical-significance assessments for this variant to ClinVar after 2014. Based on the evidence outlined above, the variant was classified as likely pathogenic.

NM_025099.6(CTC1):c.798_802del (p.Gln268fs)

Gene: CTC1 (CST telomere replication complex component 1; minus strand). Cytogenetic location: 17p13.1.
Variant type: Deletion.
Coding change: c.798_802del on transcript NM_025099.6 (MANE Select); coding-DNA positions 798 to 802, 5 bases deleted (TGCCC; older notation c.798_802delTGCCC).
Protein change: p.Gln268fs; shifts the reading frame from glutamine 268.
Molecular consequence: frameshift variant. On other transcripts: non-coding transcript variant (1).
Genome position (GRCh38, 1-based): chr17:8,236,333-8,236,337, GGGCA deleted on the plus strand (TGCCC on the coding strand, the reverse complement: CTC1 is on the minus strand); deleting any 5 consecutive bases within chr17:8,236,333-8,236,340 gives the same sequence; the c. name uses the placement nearest the transcript's 3' end. VCF-style (leftmost placement, unchanged base first): chr17-8236332-TGGGCA-T. GRCh37 (hg19) VCF-style: chr17-8139650-TGGGCA-T.
Other names: c.795_799delCCCTG, p.Gln268Glyfs (NM_001411067.1); c.798_802delTGCCC (NM_025099.5); short protein forms Q268fs.
Identifiers: ClinVar variation 2445707 (VCV002445707.1), dbSNP rs2507933288, ClinGen allele CA2580094949.
Genomic context (GRCh38, chr17:8,236,332, plus strand): 5'-ACTCGCAGTTCTGTCAGCACATAGGCTGTACCAGGCCGAAGGGCTCTGTGCCACACCAGC[TGGGCA>T]GGGACCTGGCTTGTGCAGAGACAGGCAATGTGACACAAGAGACCCCAACACTGCCACTCT-3'